The following is an entry in ClinVar:

NM_020975.6(RET):c.2975C>G (p.Pro992Arg)

Gene: RET (ret proto-oncogene; plus strand). Cytogenetic location: 10q11.21.
Variant type: single nucleotide variant.
Coding change: c.2975C>G on transcript NM_020975.6 (MANE Select); coding-DNA position 2975, C replaced by G.
Protein change: p.Pro992Arg; replaces proline 992 with arginine.
Molecular consequence: missense variant.
Genome position (GRCh38, 1-based): chr10:43,124,918, C>G. VCF-style: chr10-43124918-C-G. GRCh37 (hg19) VCF-style: chr10-43620366-C-G.
Other names: c.1790C>G, p.Pro597Arg (NM_001406788.1, NM_001406789.1, NM_001406790.1); c.1670C>G, p.Pro557Arg (NM_001406791.1); c.1526C>G, p.Pro509Arg (NM_001406792.1, NM_001406793.1, NM_001406794.1); c.2975C>G, p.Pro992Arg (NM_020629.2, NM_020630.7, NM_000323.2 and 4 more transcripts); c.2213C>G, p.Pro738Arg (NM_001355216.2); c.2846C>G, p.Pro949Arg (NM_001406761.1, NM_001406762.1, NM_001406764.1); c.2840C>G, p.Pro947Arg (NM_001406763.1, NM_001406765.1); c.2687C>G, p.Pro896Arg (NM_001406766.1, NM_001406767.1, NM_001406770.1); and 10 more; short protein forms P557R, P648R, P662R, P846R, P896R, P949R, P597R, P650R.
Identifiers: ClinVar variation 2039355 (VCV002039355.2), dbSNP rs758191409, ClinGen allele CA376558107.

ClinVar aggregate classification (germline): Uncertain significance (1 of 4 stars; one submission).

Conditions:
Multiple endocrine neoplasia, type 2 (MEN2). Identifiers: Orphanet 653, MedGen C4048306, MONDO:0019003. Disease mechanism: gain of function.

Allele frequency attached by ClinVar (database versions not stated): gnomAD exomes below 0.00001.
gnomAD v4.1: 2 of 1,614,164 alleles (0.00012%); highest among the groups gnomAD compares: Non-Finnish European, 0.00017%; no homozygotes.

Submission:

Labcorp Genetics (formerly Invitae), Labcorp
Classification: Uncertain significance for Multiple endocrine neoplasia, type 2. Last evaluated: 2025-02-09. Review status: criteria provided, single submitter. Criteria: Invitae Variant Classification Sherloc (09022015). Collection method: clinical testing. Allele origin: germline.
Comment: This sequence change replaces proline, which is neutral and non-polar, with arginine, which is basic and polar, at codon 992 of the RET protein (p.Pro992Arg). This variant is present in population databases (no rsID available, gnomAD 0.0009%). This variant has not been reported in the literature in individuals affected with RET-related conditions. ClinVar contains an entry for this variant (Variation ID: 2039355). An algorithm developed to predict the effect of missense changes on protein structure and function (PolyPhen-2) suggests that this variant is likely to be disruptive. In summary, the available evidence is currently insufficient to determine the role of this variant in disease. Therefore, it has been classified as a Variant of Uncertain Significance.